The following is an entry in ClinVar:

NM_001080466.2(BTBD17):c.603C>G (p.Ala201=)

Gene: BTBD17 (BTB domain containing 17; minus strand). Cytogenetic location: 17q25.1.
Variant type: single nucleotide variant.
Coding change: c.603C>G on transcript NM_001080466.2 (MANE Select); coding-DNA position 603, C replaced by G.
Protein change: p.Ala201=; no amino-acid change (alanine 201 retained).
Molecular consequence: synonymous variant.
Genome position (GRCh38, 1-based): chr17:74,357,491, G>C on the plus strand (C>G on the coding strand, the complement: BTBD17 is on the minus strand). VCF-style: chr17-74357491-G-C. GRCh37 (hg19) VCF-style: chr17-72353630-G-C.
Identifiers: ClinVar variation 3250587 (VCV003250587.18), dbSNP rs1266146316.

ClinVar aggregate classification (germline): Likely benign (1 of 4 stars; one submission).

Submission:

CeGaT Center for Human Genetics Tuebingen
Classification: Likely benign. Last evaluated: 2026-08-01. Review status: criteria provided, single submitter. Criteria: CeGaT Center For Human Genetics Tuebingen Variant Classification Criteria Version 2. Collection method: clinical testing. Allele origin: germline. Affected: yes. Observed: 5 variant alleles.
Comment: BTBD17: PM2:Supporting, BP4, BP7